The following is an entry in ClinVar:

ClinVar aggregate classification (germline): Uncertain significance (1 of 4 stars; one submission).

Conditions:
Inborn genetic diseases. Identifiers: MedGen C0950123, MeSH D030342.

Submission:

Ambry Genetics
Classification: Uncertain significance for Inborn genetic diseases. Last evaluated: 2025-06-16. Review status: criteria provided, single submitter. Criteria: Ambry Variant Classification Scheme 2023. Collection method: clinical testing. Allele origin: germline.
Comment: The p.D220Y variant (also known as c.658G>T), located in coding exon 5 of the HAX1 gene, results from a G to T substitution at nucleotide position 658. The aspartic acid at codon 220 is replaced by tyrosine, an amino acid with highly dissimilar properties. This amino acid position is conserved. In addition, this alteration is predicted to be deleterious by in silico analysis. Based on the available evidence, the clinical significance of this variant remains unclear.

NM_006118.4(HAX1):c.658G>T (p.Asp220Tyr)

Gene: HAX1 (HCLS1 associated protein X-1; plus strand). Cytogenetic location: 1q21.3.
Variant type: single nucleotide variant.
Coding change: c.658G>T on transcript NM_006118.4 (MANE Select); coding-DNA position 658, G replaced by T.
Protein change: p.Asp220Tyr; replaces aspartic acid 220 with tyrosine.
Molecular consequence: missense variant.
Genome position (GRCh38, 1-based): chr1:154,275,255, G>T. VCF-style: chr1-154275255-G-T. GRCh37 (hg19) VCF-style: chr1-154247731-G-T.
Other names: c.514G>T, p.Asp172Tyr (NM_001018837.2); short protein forms D220Y, D172Y.
Identifiers: ClinVar variation 4269009 (VCV004269009.1).
Genomic context (GRCh38, chr1:154,275,255, plus strand): 5'-CTACAGCCCCAGCCCAAATCCTATTTCAAGAGCATCTCTGTGACCAAGATCACTAAACCA[G>T]ATGGGGTGAGTTGAAAGAAAGAGGTAAAGGAAAGTATGGCCAGGGAACGAATGCCCTGAA-3'
Protein context (NP_006109.2, residues 210-230): SISVTKITKP[Asp220Tyr]GIVEERRTVV